The following is an entry in ClinVar:

ClinVar aggregate classification (germline): Pathogenic/Likely pathogenic. Review status: criteria provided, multiple submitters, no conflicts (2 of 4 stars). 16 submissions from 16 submitters: Pathogenic (9); Likely pathogenic (6). 1 of the submissions does not count toward it. Last evaluated 2026-01-16.

Conditions:
ATM-related cancer predisposition. Also called: ATM-related cancer susceptibility. Identifiers: MedGen CN377759, MONDO:0700270.
Hereditary cancer-predisposing syndrome. Also called: Hereditary Cancer Syndrome; Tumor predisposition; Neoplastic Syndromes, Hereditary; Hereditary neoplastic syndrome. Identifiers: Orphanet 140162, MedGen C0027672, MeSH D009386, MONDO:0015356.
Familial cancer of breast. Also called: hereditary breast carcinoma; BREAST CANCER, FAMILIAL; Hereditary breast cancer. Identifiers: Orphanet 227535, MedGen C0346153, MONDO:0016419, OMIM 114480. Disease mechanism: loss of function.
Ataxia-telangiectasia syndrome (AT). Also called: ATAXIA-TELANGIECTASIA, COMPLEMENTATION GROUP A; ATAXIA-TELANGIECTASIA, FRESNO VARIANT; Ataxia-telangiectasia; Ataxia-telangiectasia, complementation group E; Cerebello-oculocutaneous telangiectasia; Immunodeficiency with ataxia telangiectasia. Identifiers: Orphanet 100, MedGen C0004135, MONDO:0008840, OMIM 208900.
Malignant tumor of breast. Also called: Malignant breast neoplasm; Cancer breast. Identifiers: MedGen C0006142, MONDO:0007254. Disease mechanism: loss of function.

Submissions (16):

Natera, Inc.
Classification: Pathogenic for Ataxia-telangiectasia. Last evaluated: 2026-01-16. Review status: criteria provided, single submitter. Criteria: Natera Variant Classification Schema (03/2026). Collection method: clinical testing. Allele origin: germline.
Comment: The c.1065+1G>T variant in ATM is a canonical splice donor site variant predicted to affect pre-mRNA splicing, which may result in an abnormal transcript and altered protein product. This variant is expected to result in nonsense mediated decay, truncation, or a dysfunctional protein product. This variant is rare in the general population with a frequency below the threshold expected for the associated phenotype(s). Functional studies show that this variant may disrupt protein function (PMID: 35716007). Given the available evidence, this variant is classified as Pathogenic.

Labcorp Genetics (formerly Invitae), Labcorp
Classification: Pathogenic for Ataxia-telangiectasia syndrome. Last evaluated: 2025-12-06. Review status: criteria provided, single submitter. Criteria: Invitae Variant Classification Sherloc (09022015). Collection method: clinical testing. Allele origin: germline.
Comment: This sequence change affects a donor splice site in intron 8 of the ATM gene. RNA analysis indicates that disruption of this splice site induces altered splicing and may result in an absent or altered protein product. This variant is not present in population databases (gnomAD no frequency). Disruption of this splice site has been observed in individual(s) with ATM-related cancers (PMID: 28687971, 28888541, 32581083, 35264596). ClinVar contains an entry for this variant (Variation ID: 186470). Studies have shown that disruption of this splice site results in activation of a cryptic splice site, and produces a non-functional protein and/or introduces a premature termination codon (internal data). For these reasons, this variant has been classified as Pathogenic.

Ambry Genetics
Classification: Likely pathogenic for Hereditary cancer-predisposing syndrome. Last evaluated: 2025-11-20. Review status: criteria provided, single submitter. Criteria: Ambry Variant Classification Scheme 2023. Collection method: clinical testing. Allele origin: germline.
Comment: The c.1065+1G>T intronic variant results from a G to T substitution one nucleotide after coding exon 7 of the ATM gene. This nucleotide position is highly conserved in available vertebrate species. In silico splice site analysis predicts that this alteration will weaken the native splice donor site. RNA studies have demonstrated that this alteration results in abnormal splicing in the set of samples tested (Ambry internal data). A published RNA study has also identified abnormal splicing associated with this variant (Bueno-Mart&iacute;nez E et al. J Pathol, 2022 Sep;258:83-101). This variant is considered to be rare based on population cohorts in the Genome Aggregation Database (gnomAD). Based on the majority of available evidence to date, this variant is likely to be pathogenic.

Women's Health and Genetics/Laboratory Corporation of America, LabCorp
Classification: Pathogenic for Malignant tumor of breast. Last evaluated: 2025-09-17. Review status: criteria provided, single submitter. Criteria: LabCorp Variant Classification Summary - May 2015. Collection method: clinical testing. Allele origin: germline.
Comment: Variant summary: ATM c.1065+1G>T is located in a canonical splice-site and is predicted to affect mRNA splicing resulting in a significantly altered protein due to either exon skipping, shortening, or inclusion of intronic material. Variants that disrupt the consensus splice site are a relatively common cause of aberrant splicing and loss of ATM function. Several computational tools predict a significant impact on normal splicing: Three predict the variant abolishes a 5' splicing donor site. However, these predictions have yet to be confirmed by functional studies. The variant was absent in 250980 control chromosomes. c.1065+1G>T has been observed in individual(s) affected with Breast and other related cancers (Gordhandas_2023, Guindalini_2022, Lilyquist_2017, Slavin_2018). These data indicate that the variant is likely to be associated with disease. To our knowledge, no experimental evidence demonstrating an impact on protein function has been reported. The following publications have been ascertained in the context of this evaluation (PMID: 36744932, 35264596, 28888541, 28687971). ClinVar contains an entry for this variant (Variation ID: 186470). Based on the evidence outlined above, the variant was classified as pathogenic.

Color Diagnostics, LLC DBA Color Health
Classification: Likely pathogenic for Hereditary cancer-predisposing syndrome. Last evaluated: 2025-02-03. Review status: criteria provided, single submitter. Criteria: ACMG Guidelines, 2015. Collection method: clinical testing. Allele origin: germline.
Comment: This variant causes a G to T nucleotide substitution at the +1 position of intron 8 of the ATM gene. Splice site prediction tools predict that this variant may have a significant impact on RNA splicing. An RNA mini-gene assay showed that this variant disrupted splicing and resulted in no full length transcript (PMID: 35716007). This variant has been observed in an individual affected with breast cancer (PMID: 32581083) and an individual affected with lung and pancreatic cancer (PMID: 28687971). This variant has not been identified in the general population by the Genome Aggregation Database (gnomAD). Loss of ATM function is a known mechanism of disease. Based on the available evidence, this variant is classified as Likely Pathogenic.

Genetic Services Laboratory, University of Chicago
Classification: Likely pathogenic. Last evaluated: 2024-09-17. Review status: criteria provided, single submitter. Criteria: ACMG Guidelines, 2015. Collection method: clinical testing. Allele origin: germline. Affected: yes.
Comment: DNA sequence analysis of the ATM gene demonstrated a sequence change in the canonical splice donor site of intron 8, c.1065+1G>T. This sequence change appears to have been previously described in individuals with ATM-related cancers including breast, ovarian, lung and pancreatic cancers (PMID: 28687971, 28888541, 32581083, 35264596). It has not been described in population databases such as ExAC and gnomAD. This sequence change is predicted to affect normal splicing of the ATM gene and result in an abnormal protein. For this reason this variant has been classified as Likely pathogenic

Baylor Genetics
Classification: Pathogenic for Familial cancer of breast. Last evaluated: 2024-02-15. Review status: criteria provided, single submitter. Criteria: ACMG Guidelines, 2015. Collection method: clinical testing. Allele origin: unknown.

Myriad Genetics, Inc.
Classification: Likely pathogenic for Familial cancer of breast. Last evaluated: 2024-01-11. Review status: criteria provided, single submitter. Criteria: Myriad Autosomal Dominant, Autosomal Recessive and X-Linked Classification Criteria (2023). Collection method: clinical testing. Allele origin: unknown.
Comment: This variant is considered likely pathogenic. This variant occurs within a consensus splice junction and is predicted to result in abnormal mRNA splicing of either an out-of-frame exon or an in-frame exon necessary for protein stability and/or normal function.

3billion
Classification: Pathogenic for Ataxia-telangiectasia syndrome. Last evaluated: 2023-12-01. Review status: criteria provided, single submitter. Criteria: ACMG Guidelines, 2015. Collection method: clinical testing. Allele origin: germline. Affected: yes.
Comment: The variant is not observed in the gnomAD v2.1.1 dataset. Predicted Consequence/Location: Canonical splice site: predicted to alter splicing and result in a loss or disruption of normal protein function. Multiple pathogenic loss-of-function variants are reported downstream of the variant. In silico tools predict the variant to alter splicing and produce an abnormal transcript [Splice AI: 0.97 (spliceogenicity >=0.2, non-spliceogenicity <0.1)]. The variant has been reported at least twice as pathogenic with clinical assertions and evidence for the classification (ClinVar ID: VCV000186470 /PMID: 28687971). Therefore, this variant is classified as Pathogenic according to the recommendation of ACMG/AMP guideline.

Institute for Genomic Medicine (IGM) Clinical Laboratory, Nationwide Children's Hospital
Classification: Pathogenic for ATM-related cancer predisposition. Last evaluated: 2022-10-11. Review status: criteria provided, single submitter. Criteria: ACMG Guidelines, 2015. Collection method: clinical testing. Allele origin: germline.
Comment: This variant is predicted to result in loss of function through nonsense-mediated decay of the encoded transcript or premature truncation of the encoded protein in a gene in which loss of function is a known mechanism of disease (ACMG/AMP: PVS1; PMIDs:10677309, 33509806). Well-established functional studies have demonstrated this variant to have a damaging effect on protein function or splicing (ACMG/AMP: PS3_Moderate; PMID:35716007). This variant has been reported at an elevated frequency in affected individuals/in multiple affected individuals in the literature (ACMG/AMP: PS4_Supporting; PMIDs:28687971, 32581083). This variant is absent from or present at an exceedingly low frequency in gnomAD, a large-scale control population database (ACMG/AMP: PM2).

GeneDx
Classification: Pathogenic. Last evaluated: 2022-09-22. Review status: criteria provided, single submitter. Criteria: GeneDx Variant Classification Process June 2021. Collection method: clinical testing. Allele origin: germline. Affected: yes.
Comment: Canonical splice site variant in a gene for which loss-of-function is a known mechanism of disease; Not observed at significant frequency in large population cohorts (gnomAD); This variant is associated with the following publications: (PMID: 28687971, 32581083, 35264596, 28888541)

Department of Pathology and Laboratory Medicine, Sinai Health System
Classification: Pathogenic for Familial cancer of breast; Ataxia-telangiectasia syndrome. Last evaluated: 2022-08-04. Review status: criteria provided, single submitter. Criteria: ACMG Guidelines, 2015. Collection method: clinical testing. Allele origin: germline. Affected: no.

CENTOGENE GmbH and LLC - Guiding Precision Medicine
Classification: Pathogenic for Ataxia-telangiectasia syndrome. Last evaluated: 2018-08-23. Review status: criteria provided, single submitter. Criteria: ACMG Guidelines, 2015. Collection method: clinical testing. Allele origin: germline. Affected: yes.

Mendelics
Classification: Likely pathogenic for Ataxia-telangiectasia syndrome. Last evaluated: 2018-07-02. Review status: criteria provided, single submitter. Criteria: Mendelics Assertion Criteria 2017. Collection method: clinical testing. Allele origin: unknown.

Center for Human Genetics, Inc
Classification: Likely pathogenic for Ataxia-telangiectasia syndrome. Last evaluated: 2016-11-01. Review status: criteria provided, single submitter. Criteria: ACMG Guidelines, 2015. Collection method: clinical testing. Allele origin: germline. Affected: yes.

Counsyl
Classification: Likely pathogenic for Ataxia-telangiectasia syndrome. Last evaluated: 2016-11-02. Review status: no assertion criteria provided. Collection method: clinical testing. Allele origin: unknown. Not counted in ClinVar's aggregate classification.

Literature cited by the submitters: PubMed 35716007 (cited by 4 submitters); PubMed 28687971 (cited by 7 submitters); PubMed 28888541 (cited by Labcorp Genetics (formerly Invitae), Labcorp and Women's Health and Genetics/Laboratory Corporation of America, LabCorp); PubMed 32581083 (cited by 3 submitters); PubMed 35264596 (cited by Labcorp Genetics (formerly Invitae), Labcorp and Women's Health and Genetics/Laboratory Corporation of America, LabCorp); PubMed 36744932 (cited by Women's Health and Genetics/Laboratory Corporation of America, LabCorp); PubMed 10677309 (cited by Institute for Genomic Medicine (IGM) Clinical Laboratory, Nationwide Children's Hospital); PubMed 33509806 (cited by Institute for Genomic Medicine (IGM) Clinical Laboratory, Nationwide Children's Hospital); PubMed 30287823 (cited by Department of Pathology and Laboratory Medicine, Sinai Health System).

NM_000051.4(ATM):c.1065+1G>T

Gene: ATM (ATM serine/threonine kinase; plus strand). Cytogenetic location: 11q22.3.
Variant type: single nucleotide variant.
Coding change: c.1065+1G>T on transcript NM_000051.4 (MANE Select); the canonical splice donor site of the intron after coding-DNA position 1065, G replaced by T.
Molecular consequence: splice donor variant.
Genome position (GRCh38, 1-based): chr11:108,247,128, G>T. VCF-style: chr11-108247128-G-T. GRCh37 (hg19) VCF-style: chr11-108117855-G-T.
Other names: c.1065+1G>T (NM_001351834.2, NM_000051.2).
Identifiers: ClinVar variation 186470 (VCV000186470.44), dbSNP rs201089102, ClinGen allele CA194915.